The following is an entry in ClinVar:

NM_000540.3(RYR1):c.14269C>T (p.Arg4757Cys)

Gene: RYR1 (ryanodine receptor 1; plus strand). Cytogenetic location: 19q13.2.
Variant type: single nucleotide variant.
Coding change: c.14269C>T on transcript NM_000540.3 (MANE Select); coding-DNA position 14269, C replaced by T.
Protein change: p.Arg4757Cys; replaces arginine 4757 with cysteine.
Molecular consequence: missense variant.
Genome position (GRCh38, 1-based): chr19:38,578,014, C>T. VCF-style: chr19-38578014-C-T. GRCh37 (hg19) VCF-style: chr19-39068654-C-T.
Other names: p.Arg4757Cys; c.14254C>T, p.Arg4752Cys (NM_001042723.2); short protein forms R4752C, R4757C.
Identifiers: ClinVar variation 3069375 (VCV003069375.5), dbSNP rs369132009, ClinGen allele CA061021.

ClinVar aggregate classification (germline): Uncertain significance. Review status: criteria provided, multiple submitters, no conflicts (2 of 4 stars). 4 submissions from 4 submitters: Uncertain significance (4). Last evaluated 2026-07-02.

Conditions:
Malignant hyperthermia, susceptibility to, 1 (MHS1). Also called: Anesthesia related hyperthermia; Malignant hyperpyrexia; Fulminating hyperpyrexia; Pharmacogenic myopathy; RYR1-Related Malignant Hyperthermia Susceptibility; Malignant hyperthermia suceptibility 1. Identifiers: Orphanet 423, MedGen C2930980, MONDO:0007783, OMIM 145600.
Inborn genetic diseases. Identifiers: MedGen C0950123, MeSH D030342.

Allele frequency attached by ClinVar (database versions not stated): gnomAD exomes below 0.00001; gnomAD 0.00001; ESP Exome Variant Server 0.00008; ExAC 0.00001; TOPMed 0.00002.
gnomAD v4.1: 6 of 1,613,998 alleles (0.00037%); highest among the groups gnomAD compares: South Asian, 0.0022%; no homozygotes.

Submissions (4):

Ambry Genetics
Classification: Uncertain significance for Inborn genetic diseases. Last evaluated: 2026-07-02. Review status: criteria provided, single submitter. Criteria: Ambry Variant Classification Scheme 2023. Collection method: clinical testing. Allele origin: germline.
Comment: The p.R4757C variant (also known as c.14269C>T), located in coding exon 98 of the RYR1 gene, results from a C to T substitution at nucleotide position 14269. The arginine at codon 4757 is replaced by cysteine, an amino acid with highly dissimilar properties. This amino acid position is conserved. In addition, the in silico prediction for this alteration is inconclusive. Based on the available evidence, the clinical significance of this variant remains unclear.

Color Diagnostics, LLC DBA Color Health
Classification: Uncertain significance for Malignant hyperthermia, susceptibility to, 1. Last evaluated: 2024-03-07. Review status: criteria provided, single submitter. Criteria: ACMG Guidelines, 2015. Collection method: clinical testing. Allele origin: germline.
Comment: This missense variant replaces arginine with cysteine at codon 4757 of the RYR1 protein. Computational prediction is inconclusive regarding the impact of this variant on protein structure and function. To our knowledge, functional studies have not been reported for this variant. This variant has not been reported in individuals affected with RYR1-related disorders in the literature. This variant has been identified in 1/251154 chromosomes in the general population by the Genome Aggregation Database (gnomAD). The available evidence is insufficient to determine the role of this variant in disease conclusively. Therefore, this variant is classified as a Variant of Uncertain Significance.

Mayo Clinic Laboratories, Mayo Clinic
Classification: Uncertain significance. Last evaluated: 2023-10-30. Review status: criteria provided, single submitter. Criteria: ACMG Guidelines, 2015. Collection method: clinical testing. Allele origin: germline. Observed: 1 variant allele.

All of Us Research Program, National Institutes of Health
Classification: Uncertain significance for Malignant hyperthermia, susceptibility to, 1. Last evaluated: 2023-05-31. Review status: criteria provided, single submitter. Criteria: ACMG Guidelines, 2015. Collection method: clinical testing. Allele origin: germline. Inheritance: Autosomal dominant inheritance. Observed: 2 variant alleles, 2 heterozygotes.
Comment: This study involves interpretation of variants in research participants for the purpose of population health screening. Participant phenotype was not available at the time of variant classification. Additional details can be found in publication PMID: 35346344, PMCID: PMC8962531